The following is an entry in ClinVar:

ClinVar aggregate classification (germline): Benign. Review status: criteria provided, multiple submitters, no conflicts (2 of 4 stars). 2 submissions from 2 submitters: Benign (2). Last evaluated 2018-01-13.

Conditions:
Triosephosphate isomerase deficiency (TPID). Also called: Triose phosphate isomerase deficiency. Identifiers: Orphanet 868, MedGen C1860808, MONDO:0014221, OMIM 615512.

Allele frequency attached by ClinVar (database versions not stated): TOPMed 0.00866; gnomAD exomes 0.01042 and 0.01869; gnomAD 0.01157; ExAC 0.02641; 1000 Genomes Project 30x 0.04450; 1000 Genomes Project 0.04712.
gnomAD v4.1: 5,419 of 555,144 alleles (0.98%); highest among the groups gnomAD compares: East Asian, 22%; 578 homozygotes.

Submissions (2):

Illumina Laboratory Services, Illumina
Classification: Benign for Triosephosphate isomerase deficiency. Last evaluated: 2018-01-13. Review status: criteria provided, single submitter. Criteria: ICSL Variant Classification Criteria 13 December 2019. Collection method: clinical testing. Allele origin: germline.
Comment: This variant was observed in the ICSL laboratory as part of a predisposition screen in an ostensibly healthy population. It had not been previously curated by ICSL or reported in the Human Gene Mutation Database (HGMD: prior to June 1st, 2018), and was therefore a candidate for classification through an automated scoring system. Utilizing variant allele frequency, disease prevalence and penetrance estimates, and inheritance mode, an automated score was calculated to assess if this variant is too frequent to cause the disease. Based on the score and internal cut-off values, a variant classified as benign is not then subjected to further curation. The score for this variant resulted in a classification of benign for this disease.

Breakthrough Genomics
Classification: Benign. Review status: criteria provided, single submitter. Criteria: ACMG Guidelines, 2015. Collection method: not provided. Allele origin: germline. Inheritance: Autosomal recessive inheritance. Affected: yes.

NM_000365.6(TPI1):c.*341C>T

Gene: TPI1 (triosephosphate isomerase 1; plus strand). Cytogenetic location: 12p13.31.
Variant type: single nucleotide variant.
Coding change: c.*341C>T on transcript NM_000365.6 (MANE Select); 341 bases downstream of the stop codon, C replaced by T.
Molecular consequence: 3 prime UTR variant.
Genome position (GRCh38, 1-based): chr12:6,870,724, C>T. VCF-style: chr12-6870724-C-T. GRCh37 (hg19) VCF-style: chr12-6979888-C-T.
Other names: c.*341C>T (NM_001159287.1, NM_001258026.2).
Identifiers: ClinVar variation 310370 (VCV000310370.6), dbSNP rs1804544, ClinGen allele CA6419119.